The following is an entry in ClinVar:

NM_005121.3(MED13):c.1486A>G (p.Arg496Gly)

Gene: MED13 (mediator complex subunit 13; minus strand). Cytogenetic location: 17q23.2.
Variant type: single nucleotide variant.
Coding change: c.1486A>G on transcript NM_005121.3 (MANE Select); coding-DNA position 1486, A replaced by G.
Protein change: p.Arg496Gly; replaces arginine 496 with glycine.
Molecular consequence: missense variant.
Genome position (GRCh38, 1-based): chr17:62,011,031, T>C on the plus strand (A>G on the coding strand, the complement: MED13 is on the minus strand). VCF-style: chr17-62011031-T-C. GRCh37 (hg19) VCF-style: chr17-60088392-T-C.
Other names: short protein forms R496G.
Identifiers: ClinVar variation 5009040 (VCV005009040.1).
Genomic context (GRCh38, chr17:62,011,031, plus strand): 5'-CATCATTAGTTCGGATATTTGAAAATCTCACTTGACTGTCTGGAGCAGAGATCACAAGTC[T>C]TTGGCTGGCTGAATCTGCGTCCATGCCAACATCATCACTAACAGACACACGATGGTGAAA-3'
Protein context (NP_005112.2, residues 486-506): VGMDADSASQ[Arg496Gly]LVISAPDSQV

ClinVar aggregate classification (germline): Uncertain significance (1 of 4 stars; one submission).

Submission:

GeneDx
Classification: Uncertain significance. Last evaluated: 2026-03-12. Review status: criteria provided, single submitter. Criteria: GeneDx Variant Classification Process June 2021. Collection method: clinical testing. Allele origin: germline.
Comment: Not observed at significant frequency in large population cohorts (gnomAD); In silico analysis suggests that this missense variant does not alter protein structure/function; Has not been previously published as pathogenic or benign to our knowledge